The following is an entry in ClinVar:

ClinVar aggregate classification (germline): Uncertain significance (1 of 4 stars; one submission).

Conditions:
Hypertrophic cardiomyopathy 10. Also called: CARDIOMYOPATHY, HYPERTROPHIC, MID-LEFT VENTRICULAR CHAMBER TYPE, 2; MYL2-Related Familial Hypertrophic Cardiomyopathy. Identifiers: MedGen C1834460, MONDO:0012112, OMIM 608758.

Submission:

Labcorp Genetics (formerly Invitae), Labcorp
Classification: Uncertain significance for Hypertrophic cardiomyopathy 10. Last evaluated: 2022-08-05. Review status: criteria provided, single submitter. Criteria: Invitae Variant Classification Sherloc (09022015). Collection method: clinical testing. Allele origin: germline.
Comment: This variant has not been reported in the literature in individuals affected with MYL2-related conditions. In summary, the available evidence is currently insufficient to determine the role of this variant in disease. Therefore, it has been classified as a Variant of Uncertain Significance. This variant is not present in population databases (gnomAD no frequency). This sequence change creates a premature translational stop signal (p.Val17Glyfs*33) in the MYL2 gene. It is expected to result in an absent or disrupted protein product. However, the current clinical and genetic evidence is not sufficient to establish whether loss-of-function variants in MYL2 cause disease.

NM_000432.4(MYL2):c.50del (p.Val17fs)

Genes: MYL2 (myosin light chain 2; minus strand), LOC114827850 (VISTA enhancer hs2149; plus strand). Cytogenetic location: 12q24.11.
Variant type: Deletion.
Coding change: c.50del on transcript NM_000432.4 (MANE Select); coding-DNA position 50, one base deleted (T; older notation c.50delT).
Protein change: p.Val17fs; shifts the reading frame from valine 17.
Molecular consequence: frameshift variant.
Genome position (GRCh38, 1-based): chr12:110,919,147, A deleted on the plus strand (T on the coding strand, the reverse complement: MYL2 is on the minus strand). VCF-style (leftmost placement, unchanged base first): chr12-110919146-CA-C. GRCh37 (hg19) VCF-style: chr12-111356950-CA-C.
Other names: c.50delT, p.Val17Glyfs (NM_001406745.1, NM_001406746.1); c.-8delT (NM_001406916.1); short protein forms V17fs.
Identifiers: ClinVar variation 2020978 (VCV002020978.4), dbSNP rs2499814947, ClinGen allele CA2580085808.